The following is an entry in ClinVar:

NM_000277.3(PAH):c.190_194del (p.Thr63_His64insTer)

Gene: PAH (phenylalanine hydroxylase; minus strand). Cytogenetic location: 12q23.2.
Variant type: Deletion.
Coding change: c.190_194del on transcript NM_000277.3 (MANE Select); coding-DNA positions 190 to 194, 5 bases deleted (CACAT; older notation c.190_194delCACAT).
Protein change: p.Thr63_His64insTer.
Molecular consequence: nonsense.
Genome position (GRCh38, 1-based): chr12:102,894,893-102,894,897, ATGTG deleted on the plus strand (CACAT on the coding strand, the reverse complement: PAH is on the minus strand). VCF-style (leftmost placement, unchanged base first): chr12-102894892-AATGTG-A. GRCh37 (hg19) VCF-style: chr12-103288670-AATGTG-A.
Other names: c.190_194del, p.Thr63_His64insTer (NM_001354304.2).
Identifiers: ClinVar variation 805814 (VCV000805814.1), dbSNP rs1592978950, ClinGen allele CA16020742.

ClinVar aggregate classification (germline): Pathogenic (3 of 4 stars; one submission).

Conditions:
Phenylketonuria (PKU). Also called: FOLLING DISEASE; Phenylketonuria (PKU); OLIGOPHRENIA PHENYLPYRUVICA; Phenylketonurias. Identifiers: Orphanet 716, MedGen C0031485, MONDO:0009861, OMIM 261600. Disease mechanism: loss of function.

Submission:

ClinGen PAH Variant Curation Expert Panel
Classification: Pathogenic for Phenylketonuria. Last evaluated: 2019-04-04. Review status: reviewed by expert panel. Criteria: ClinGen PAH ACMG Specifications v1. Collection method: curation. Allele origin: germline. Inheritance: Autosomal recessive inheritance.
Comment: The sequence change results in a nonsense variant which occurs in exon 3 of 13 in the in the canonical transcript of PAH, a gene fulfilling the most recent criteria for LOF being a known disease mechanism (see PMID: 30192042) (PVS1). It is absent from control databases including ethnically matched individuals, including gnomAD/ExAC, 1000 Genomes, and ESP (PM2). In summary, this variant meets criteria to be classified as pathogenic for PAH. PAH-specific ACMG/AMP criteria applied: PVS1, PM2, PP4_Moderate, PM3.

Literature cited by the submitters: PubMed 28754886.